The following is an entry in ClinVar:

NM_152296.5(ATP1A3):c.7-3C>T

Gene: ATP1A3 (ATPase Na+/K+ transporting subunit alpha 3; minus strand). Cytogenetic location: 19q13.2.
Variant type: single nucleotide variant.
Coding change: c.7-3C>T on transcript NM_152296.5 (MANE Select); 3 bases into the intron before coding-DNA position 7, C replaced by T.
Molecular consequence: intron variant. On other transcripts: nonsense (1).
Genome position (GRCh38, 1-based): chr19:41,988,565, G>A on the plus strand (C>T on the coding strand, the complement: ATP1A3 is on the minus strand). VCF-style: chr19-41988565-G-A. GRCh37 (hg19) VCF-style: chr19-42492717-G-A.
Other names: c.43C>T, p.Gln15Ter (NM_001256214.2); c.40-3C>T (NM_001256213.2); short protein forms Q15*.
Identifiers: ClinVar variation 3721887 (VCV003721887.2).

ClinVar aggregate classification (germline): Uncertain significance (1 of 4 stars; one submission).

Conditions:
Dystonia 12 (DYT12). Also called: Rapid-Onset Dystonia-Parkinsonism (RDP); DYT-ATP1A3. Identifiers: Orphanet 71517, MedGen C1868681, MONDO:0007496, OMIM 128235.

Submission:

Labcorp Genetics (formerly Invitae), Labcorp
Classification: Uncertain significance for Dystonia 12. Last evaluated: 2025-01-20. Review status: criteria provided, single submitter. Criteria: Invitae Variant Classification Sherloc (09022015). Collection method: clinical testing. Allele origin: germline.
Comment: This sequence change falls in intron 1 of the ATP1A3 gene. It does not directly change the encoded amino acid sequence of the ATP1A3 protein. It affects a nucleotide within the consensus splice site. This variant is not present in population databases (gnomAD no frequency). This variant has not been reported in the literature in individuals affected with ATP1A3-related conditions. Variants that disrupt the consensus splice site are a relatively common cause of aberrant splicing (PMID: 17576681, 9536098). Algorithms developed to predict the effect of sequence changes on RNA splicing suggest that this variant is not likely to affect RNA splicing. In summary, the available evidence is currently insufficient to determine the role of this variant in disease. Therefore, it has been classified as a Variant of Uncertain Significance.

Literature cited by the submitters: PubMed 17576681; PubMed 9536098.